The following is an entry in ClinVar:

NM_001302998.2(LIPI):c.601A>G (p.Thr201Ala)

Gene: LIPI (lipase I; minus strand). Cytogenetic location: 21q11.2.
Variant type: single nucleotide variant.
Coding change: c.601A>G on transcript NM_001302998.2 (MANE Select); coding-DNA position 601, A replaced by G.
Protein change: p.Thr201Ala; replaces threonine 201 with alanine.
Molecular consequence: missense variant.
Genome position (GRCh38, 1-based): chr21:14,181,800, T>C on the plus strand (A>G on the coding strand, the complement: LIPI is on the minus strand). VCF-style: chr21-14181800-T-C. GRCh37 (hg19) VCF-style: chr21-15554121-T-C.
Other names: c.664A>G (NM_198996.2); c.601A>G, p.Thr201Ala (NM_001302999.2, NM_001303000.2, NM_001303001.2 and 1 more transcripts); c.106A>G, p.Thr36Ala (NM_001379566.1); c.466A>G, p.Thr156Ala (NM_198996.4); short protein forms T201A, T156A, T36A.
Identifiers: ClinVar variation 2729985 (VCV002729985.4), dbSNP rs771507325, ClinGen allele CA9979620.
Genomic context (GRCh38, chr21:14,181,800, plus strand): 5'-TAAATCCTGATTTGTTACCATTGGAGTCAGAATGGATGACATCCACAAACTTTGCATCCG[T>C]GTAATCTAATCTGCTATATGGTGGTTTTCTGGAGAACCTTGGCCCAGCAGGGTCAAGACC-3'
Protein context (NP_001289927.1, residues 191-211): RKPPYSRLDY[Thr201Ala]DAKFVDVIHS

ClinVar aggregate classification (germline): Uncertain significance. Review status: criteria provided, multiple submitters, no conflicts (2 of 4 stars). 2 submissions from 2 submitters: Uncertain significance (2). Last evaluated 2025-10-21.

Allele frequency attached by ClinVar (database versions not stated): gnomAD exomes 0.00003; gnomAD 0.00001; ExAC 0.00011; TOPMed 0.00005.
gnomAD v4.1: 38 of 1,612,472 alleles (0.0024%); highest among the groups gnomAD compares: Admixed American, 0.062%; no homozygotes.

Submissions (2):

Labcorp Genetics (formerly Invitae), Labcorp
Classification: Uncertain significance. Last evaluated: 2025-10-21. Review status: criteria provided, single submitter. Criteria: Invitae Variant Classification Sherloc (09022015). Collection method: clinical testing. Allele origin: germline.
Comment: This sequence change replaces threonine, which is neutral and polar, with alanine, which is neutral and non-polar, at codon 222 of the LIPI protein (p.Thr222Ala). This variant is present in population databases (rs771507325, gnomAD 0.1%), and has an allele count higher than expected for a pathogenic variant. This variant has not been reported in the literature in individuals affected with LIPI-related conditions. ClinVar contains an entry for this variant (Variation ID: 2729985). An algorithm developed to predict the effect of missense changes on protein structure and function (PolyPhen-2) suggests that this variant is likely to be disruptive. In summary, the available evidence is currently insufficient to determine the role of this variant in disease. Therefore, it has been classified as a Variant of Uncertain Significance.

Ambry Genetics
Classification: Uncertain significance. Last evaluated: 2025-04-30. Review status: criteria provided, single submitter. Criteria: Ambry Variant Classification Scheme 2023. Collection method: clinical testing. Allele origin: germline.